The following is an entry in ClinVar:

NM_015425.6(POLR1A):c.1173G>A (p.Trp391Ter)

Gene: POLR1A (RNA polymerase I subunit A; minus strand). Cytogenetic location: 2p11.2.
Variant type: single nucleotide variant.
Coding change: c.1173G>A on transcript NM_015425.6 (MANE Select); coding-DNA position 1173, G replaced by A.
Protein change: p.Trp391Ter; replaces tryptophan 391 with a stop codon.
Molecular consequence: nonsense.
Genome position (GRCh38, 1-based): chr2:86,078,198, C>T on the plus strand (G>A on the coding strand, the complement: POLR1A is on the minus strand). VCF-style: chr2-86078198-C-T. GRCh37 (hg19) VCF-style: chr2-86305321-C-T.
Other names: short protein forms W391*.
Identifiers: ClinVar variation 4851734 (VCV004851734.1).
Genomic context (GRCh38, chr2:86,078,198, plus strand): 5'-CATCATTAGTTTGTCCATCTCGCTATCAAACACAATATTGACGTGGCTCTGAAGGCGAAT[C>T]CAAATGTTGTAAAGTTTGTCTATGAGGGACTGGCCTGGAAGTGTACTCAAAAAGGATCGG-3'

ClinVar aggregate classification (germline): Uncertain significance (1 of 4 stars; one submission).

Submission:

Greenwood Genetic Center Diagnostic Laboratories, Greenwood Genetic Center
Classification: Uncertain significance. Last evaluated: 2025-03-27. Review status: criteria provided, single submitter. Criteria: ACMG Guidelines, 2015. Collection method: clinical testing. Allele origin: germline.
Comment: PVS1_Moderate, PM2